The following is an entry in ClinVar:

ClinVar aggregate classification (germline): Pathogenic/Likely pathogenic. Review status: criteria provided, multiple submitters, no conflicts (2 of 4 stars). 6 submissions from 6 submitters: Pathogenic (1); Likely pathogenic (4). 1 of the submissions does not count toward it. Last evaluated 2026-09-17.

Conditions:
Metachromatic leukodystrophy (MLD). Also called: Arylsulfatase A Deficiency; SULFATIDE LIPIDOSIS; ARSA DEFICIENCY; CEREBROSIDE SULFATASE DEFICIENCY; METACHROMATIC LEUKOENCEPHALOPATHY; Cerebral sclerosis diffuse metachromatic form. Identifiers: Orphanet 512, MedGen C0023522, MONDO:0018868, OMIM 250100.

Allele frequency attached by ClinVar (database versions not stated): gnomAD exomes below 0.00001.

Submissions (6):

Laboratory of Experimental Gene Therapy of Hereditary Metabolic Diseases, Research Centre for Medical Genetics
Classification: Likely pathogenic for Metachromatic leukodystrophy. Last evaluated: 2026-09-17. Review status: criteria provided, single submitter. Criteria: ARSA MLD Assertion Criteria V2 2026 09 18. Collection method: clinical testing. Allele origin: germline. Inheritance: Autosomal recessive inheritance. Affected: yes. Observed: 9 variant alleles, 6 compound heterozygotes, 3 homozygotes.
Comment: The previously reported Likely pathogenic classification was reviewed and retained for the accompanying study. External ClinVar record reviewed: VCV000996131.12. Observations from the present referral series were not used to establish pathogenicity.

Myriad Genetics, Inc.
Classification: Likely pathogenic for Metachromatic leukodystrophy. Last evaluated: 2025-02-06. Review status: criteria provided, single submitter. Criteria: Myriad Autosomal Dominant, Autosomal Recessive and X-Linked Classification Criteria (2023). Collection method: clinical testing. Allele origin: unknown.
Comment: NM_000487.5(ARSA):c.607T>C(Y203H) is a missense variant classified as likely pathogenic in the context of metachromatic leukodystrophy. Y203H has been observed in cases with relevant disease (PMID: 23559313, 31694723, 37597066). Relevant functional assessments of this variant are available in the literature (PMID: 37480112). Y203H has not been observed in referenced population frequency databases. In summary, NM_000487.5(ARSA):c.607T>C(Y203H) is a missense variant that has functional support for pathogenicity and has been observed more frequently in cases with the relevant disease than in healthy populations. Please note: this variant was assessed in the context of healthy population screening.

Natera, Inc.
Classification: Likely pathogenic for Metachromatic leukodystrophy. Last evaluated: 2024-12-24. Review status: criteria provided, single submitter. Criteria: Natera Variant Classification Schema (03/2026). Collection method: clinical testing. Allele origin: germline.
Comment: The c.607T>C variant in ARSA is a missense variant predicted to cause substitution of tyrosine to histidine at amino acid 203. This variant is rare in the general population with a frequency below the threshold expected for the associated phenotype(s). This variant has been observed in one or more individuals affected with the associated recessive disease, as either homozygous or compound heterozygous with a second variant (PMID: 23559313, 31694723, 37597066). A different variant at the same position has been determined to be Pathogenic or Likely Pathogenic. Computational prediction algorithms indicate this variant is likely to affect gene or protein function. Given the available evidence, this variant is classified as Likely Pathogenic.

Fulgent Genetics
Classification: Likely pathogenic for Metachromatic leukodystrophy. Last evaluated: 2022-01-13. Review status: criteria provided, single submitter. Criteria: ACMG Guidelines, 2015. Collection method: clinical testing. Allele origin: unknown.

Labcorp Genetics (formerly Invitae), Labcorp
Classification: Pathogenic for Metachromatic leukodystrophy. Last evaluated: 2021-11-04. Review status: criteria provided, single submitter. Criteria: Invitae Variant Classification Sherloc (09022015). Collection method: clinical testing. Allele origin: germline.
Comment: For these reasons, this variant has been classified as Pathogenic. This variant disrupts the p.Tyr203 amino acid residue in ARSA. Other variant(s) that disrupt this residue have been determined to be pathogenic (PMID: 18786133). This suggests that this residue is clinically significant, and that variants that disrupt this residue are likely to be disease-causing. Advanced modeling of protein sequence and biophysical properties (such as structural, functional, and spatial information, amino acid conservation, physicochemical variation, residue mobility, and thermodynamic stability) performed at Invitae indicates that this missense variant is expected to disrupt ARSA protein function. ClinVar contains an entry for this variant (Variation ID: 996131). This variant is also known as c.601 T>C (p.Tyr201His). This missense change has been observed in individual(s) with metachromatic leukodystrophy (PMID: 23559313, 31694723). This variant is not present in population databases (gnomAD no frequency). This sequence change replaces tyrosine, which is neutral and polar, with histidine, which is basic and polar, at codon 203 of the ARSA protein (p.Tyr203His).

Myelin Disorders Clinic-Children's Medical Center/Medical Genetics Lab-Tarbiat Modares University, Children's Medical Center, Pediatrics Center of Excellence,
Classification: Pathogenic for Metachromatic leukodystrophy. Review status: no assertion criteria provided. Collection method: clinical testing. Allele origin: inherited. Inheritance: Autosomal recessive inheritance. Affected: yes. Not counted in ClinVar's aggregate classification.

Literature cited by the submitters: PubMed 23559313 (cited by 3 submitters); PubMed 31694723 (cited by 3 submitters); PubMed 37480112 (cited by Myriad Genetics, Inc.); PubMed 37597066 (cited by Myriad Genetics, Inc. and Natera, Inc.); PubMed 18786133 (cited by Labcorp Genetics (formerly Invitae), Labcorp).

NM_000487.6(ARSA):c.607T>C (p.Tyr203His)

Gene: ARSA (arylsulfatase A; minus strand). Cytogenetic location: 22q13.33.
Variant type: single nucleotide variant.
Coding change: c.607T>C on transcript NM_000487.6 (MANE Select); coding-DNA position 607, T replaced by C.
Protein change: p.Tyr203His; replaces tyrosine 203 with histidine.
Molecular consequence: missense variant.
Genome position (GRCh38, 1-based): chr22:50,626,911, A>G on the plus strand (T>C on the coding strand, the complement: ARSA is on the minus strand). VCF-style: chr22-50626911-A-G. GRCh37 (hg19) VCF-style: chr22-51065339-A-G.
Other names: NP_000478.3:p.(Tyr203His); c.607T>C, p.Tyr203His (NM_001085425.3, NM_001085426.3, NM_001085427.3); c.349T>C, p.Tyr117His (NM_001085428.3, NM_001362782.2); short protein forms Y117H, Y203H.
Identifiers: ClinVar variation 996131 (VCV000996131.13), dbSNP rs2082680103, ClinGen allele CA412177333.